The following is an entry in ClinVar:

ClinVar aggregate classification (germline): Uncertain significance (1 of 4 stars; one submission).

gnomAD v4.1: 1 of 1,613,018 alleles (0.000062%); highest among the groups gnomAD compares: Non-Finnish European, 0.000085%; no homozygotes.

Submission:

GeneDx
Classification: Uncertain significance. Last evaluated: 2023-05-30. Review status: criteria provided, single submitter. Criteria: GeneDx Variant Classification Process June 2021. Collection method: clinical testing. Allele origin: germline. Affected: yes.
Comment: Not observed at significant frequency in large population cohorts (gnomAD); Occurs in the triple helical domain at the X position in the canonical Gly-X-Y repeat; although this variant may have an effect on normal protein folding and function, missense substitution at the X position is not a common mechanism of disease; In silico analysis supports that this missense variant does not alter protein structure/function; Has not been previously published as pathogenic or benign to our knowledge

NM_001846.4(COL4A2):c.3745G>A (p.Asp1249Asn)

Gene: COL4A2 (collagen type IV alpha 2 chain; plus strand). Cytogenetic location: 13q34.
Variant type: single nucleotide variant.
Coding change: c.3745G>A on transcript NM_001846.4 (MANE Select); coding-DNA position 3745, G replaced by A.
Protein change: p.Asp1249Asn; replaces aspartic acid 1249 with asparagine.
Molecular consequence: missense variant.
Genome position (GRCh38, 1-based): chr13:110,495,452, G>A. VCF-style: chr13-110495452-G-A. GRCh37 (hg19) VCF-style: chr13-111147799-G-A.
Other names: short protein forms D1249N.
Identifiers: ClinVar variation 3362056 (VCV003362056.1).